The following is an entry in ClinVar:

ClinVar aggregate classification (germline): Conflicting classifications of pathogenicity. Review status: criteria provided, conflicting classifications (1 of 4 stars). 6 submissions from 6 submitters: Uncertain significance (2); Benign (1). 3 of the submissions do not count toward it. Last evaluated 2026-01-25.

Conditions:
Retinal dystrophy. Also called: Inherited retinal dystrophy. Identifiers: Orphanet 71862, MedGen C0854723, MeSH D058499, MONDO:0019118, HP:0000556.
Retinitis pigmentosa (RP). Identifiers: Orphanet 791, MedGen C0035334, MeSH D012174, MONDO:0019200, OMIM 268000. Inheritance: Autosomal dominant, autosomal recessive and X linked inheritance.
Retinitis pigmentosa 45 (RP45). Identifiers: Orphanet 791, MedGen C3151066, MONDO:0013413, OMIM 613767.

Allele frequency attached by ClinVar (database versions not stated): ESP Exome Variant Server 0.00054; gnomAD 0.00066 and 0.00115; gnomAD exomes 0.00131 and 0.00202; ExAC 0.00205; 1000 Genomes Project 30x 0.00312; 1000 Genomes Project 0.00319.
gnomAD v4.1: 2,016 of 1,544,794 alleles (0.13%); highest among the groups gnomAD compares: South Asian, 1.2%; 18 homozygotes.

Submissions (6):

Labcorp Genetics (formerly Invitae), Labcorp
Classification: Benign. Last evaluated: 2026-01-25. Review status: criteria provided, single submitter. Criteria: Invitae Variant Classification Sherloc (09022015). Collection method: clinical testing. Allele origin: germline.

ARUP Laboratories, Molecular Genetics and Genomics, ARUP Laboratories
Classification: Uncertain significance for Retinitis pigmentosa 45. Last evaluated: 2019-06-19. Review status: criteria provided, single submitter. Criteria: ARUP Molecular Germline Variant Investigation Process. Collection method: clinical testing. Allele origin: germline.
Comment: The CNGB1 c.3584C>G; p.Ser1195Cys variant (rs201186180), to our knowledge, is not reported in the medical literature or gene-specific databases. The variant is reported in the South Asian population with an allele frequency of 1.1% (341/30102 alleles including 7 homozygotes) in the Genome Aggregation Database. The amino acid at this position is weakly conserved, but computational analyses (SIFT, PolyPhen-2) predict that this variant is deleterious. However, given the lack of clinical and functional data, the significance of the variant is uncertain at this time.

Illumina Laboratory Services, Illumina
Classification: Uncertain significance for Retinitis pigmentosa. Last evaluated: 2018-01-12. Review status: criteria provided, single submitter. Criteria: ICSL Variant Classification Criteria 13 December 2019. Collection method: clinical testing. Allele origin: germline.

Institute of Human Genetics, Univ. Regensburg, Univ. Regensburg
Classification: Uncertain significance for Retinal dystrophy. Last evaluated: 2021-01-01. Review status: no assertion criteria provided. Criteria: ACMG Guidelines, 2015. Collection method: clinical testing. Allele origin: germline. Affected: yes. Not counted in ClinVar's aggregate classification.

Clinical Genetics DNA and cytogenetics Diagnostics Lab, Erasmus MC, Erasmus Medical Center
Classification: Likely benign. Review status: no assertion criteria provided. Collection method: clinical testing. Allele origin: germline. Affected: yes. Study: VKGL Data-share Consensus. Not counted in ClinVar's aggregate classification.

Clinical Genetics, Academic Medical Center
Classification: Benign. Review status: no assertion criteria provided. Collection method: clinical testing. Allele origin: germline. Affected: yes. Study: VKGL Data-share Consensus. Not counted in ClinVar's aggregate classification.

NM_001297.5(CNGB1):c.3584C>G (p.Ser1195Cys)

Gene: CNGB1 (cyclic nucleotide gated channel subunit beta 1; minus strand). Cytogenetic location: 16q21.
Variant type: single nucleotide variant.
Coding change: c.3584C>G on transcript NM_001297.5 (MANE Select); coding-DNA position 3584, C replaced by G.
Protein change: p.Ser1195Cys; replaces serine 1195 with cysteine.
Molecular consequence: missense variant.
Genome position (GRCh38, 1-based): chr16:57,884,336, G>C on the plus strand (C>G on the coding strand, the complement: CNGB1 is on the minus strand). VCF-style: chr16-57884336-G-C. GRCh37 (hg19) VCF-style: chr16-57918240-G-C.
Other names: c.3566C>G, p.Ser1189Cys (NM_001286130.2); short protein forms S1195C, S1189C.
Identifiers: ClinVar variation 320057 (VCV000320057.24), dbSNP rs201186180, ClinGen allele CA8082497.